The following is an entry in ClinVar:

NM_002382.5(MAX):c.336G>C (p.Gln112His)

Gene: MAX (MYC associated transcriptional regulator X; minus strand). Cytogenetic location: 14q23.3.
Variant type: single nucleotide variant.
Coding change: c.336G>C on transcript NM_002382.5 (MANE Select); coding-DNA position 336, G replaced by C.
Protein change: p.Gln112His; replaces glutamine 112 with histidine.
Molecular consequence: missense variant. On other transcripts: 3 prime UTR variant (1), intron variant (2).
Genome position (GRCh38, 1-based): chr14:65,076,623, C>G on the plus strand (G>C on the coding strand, the complement: MAX is on the minus strand). VCF-style: chr14-65076623-C-G. GRCh37 (hg19) VCF-style: chr14-65543341-C-G.
Other names: c.147G>C, p.Gln49His (NM_001320415.2, NM_001407105.1, NM_001407106.1 and 1 more transcripts); c.336G>C, p.Gln112His (NM_001407094.1); c.309G>C, p.Gln103His (NM_001407095.1, NM_145112.3); c.*109G>C (NM_001407096.1, NM_001407099.1, NM_001407102.1 and 2 more transcripts); c.*125G>C (NM_001407097.1, NM_001407100.1, NM_001407101.1 and 4 more transcripts); c.228G>C, p.Gln76His (NM_001407098.1); c.135G>C, p.Gln45His (NM_001407111.1, NM_001407112.1); c.144+17085G>C (NM_001271069.2); and 1 more; short protein forms Q103H, Q112H, Q49H, Q45H, Q76H.
Identifiers: ClinVar variation 1001961 (VCV001001961.10), dbSNP rs1595127306, ClinGen allele CA390031856.

ClinVar aggregate classification (germline): Uncertain significance. Review status: criteria provided, multiple submitters, no conflicts (2 of 4 stars). 2 submissions from 2 submitters: Uncertain significance (2). Last evaluated 2026-03-10.

Conditions:
Hereditary pheochromocytoma and paraganglioma. Also called: Hereditary pheochromocytoma-paraganglioma; Hereditary paragangliomas and pheochromocytomas; Hereditary Paraganglioma-Pheochromocytoma Syndromes. Identifiers: Orphanet 29072, MedGen C4274332, MONDO:0017366.

Submissions (2):

GeneDx
Classification: Uncertain significance. Last evaluated: 2026-03-10. Review status: criteria provided, single submitter. Criteria: GeneDx Variant Classification Process June 2021. Collection method: clinical testing. Allele origin: germline.
Comment: Not observed at significant frequency in large population cohorts (gnomAD); In silico analysis supports that this missense variant has a deleterious effect on protein structure/function; Has not been previously published as pathogenic or benign to our knowledge

Labcorp Genetics (formerly Invitae), Labcorp
Classification: Uncertain significance for Hereditary pheochromocytoma and paraganglioma. Last evaluated: 2020-10-23. Review status: criteria provided, single submitter. Criteria: Invitae Variant Classification Sherloc (09022015). Collection method: clinical testing. Allele origin: germline.
Comment: In summary, the available evidence is currently insufficient to determine the role of this variant in disease. Therefore, it has been classified as a Variant of Uncertain Significance. Algorithms developed to predict the effect of missense changes on protein structure and function are either unavailable or do not agree on the potential impact of this missense change (SIFT: "Deleterious"; PolyPhen-2: "Benign"; Align-GVGD: "Class C0"). This variant has not been reported in the literature in individuals with MAX-related conditions. This variant is not present in population databases (ExAC no frequency). This sequence change replaces glutamine with histidine at codon 112 of the MAX protein (p.Gln112His). The glutamine residue is highly conserved and there is a small physicochemical difference between glutamine and histidine.